The following is an entry in ClinVar:

ClinVar aggregate classification (germline): Pathogenic (1 of 4 stars; one submission).

Conditions:
Arginine:glycine amidinotransferase deficiency (CCDS3). Also called: L-Arginine:Glycine Amidinotransferase (AGAT) Deficiency; AGAT deficiency; L-Arginine:Glycine Amidinotransferase Deficiency; Creatine deficiency syndrome due to AGAT deficiency; GATM deficiency; Cerebral creatine deficiency syndrome 3. Identifiers: Orphanet 35704, MedGen C2675179, MONDO:0012996, OMIM 612718.

Submission:

Labcorp Genetics (formerly Invitae), Labcorp
Classification: Pathogenic for Arginine:glycine amidinotransferase deficiency. Last evaluated: 2023-03-27. Review status: criteria provided, single submitter. Criteria: Invitae Variant Classification Sherloc (09022015). Collection method: clinical testing. Allele origin: germline.
Comment: For these reasons, this variant has been classified as Pathogenic. Algorithms developed to predict the effect of sequence changes on RNA splicing suggest that this variant may disrupt the consensus splice site. This variant has not been reported in the literature in individuals affected with GATM-related conditions. This variant is not present in population databases (gnomAD no frequency). This sequence change creates a premature translational stop signal (p.Tyr69*) in the GATM gene. It is expected to result in an absent or disrupted protein product. Loss-of-function variants in GATM are known to be pathogenic (PMID: 11555793).

Literature cited by the submitters: PubMed 11555793.

NM_001482.3(GATM):c.207C>A (p.Tyr69Ter)

Gene: GATM (glycine amidinotransferase; minus strand). Cytogenetic location: 15q21.1.
Variant type: single nucleotide variant.
Coding change: c.207C>A on transcript NM_001482.3 (MANE Select); coding-DNA position 207, C replaced by A.
Protein change: p.Tyr69Ter; replaces tyrosine 69 with a stop codon.
Molecular consequence: nonsense. On other transcripts: 5 prime UTR variant (1).
Genome position (GRCh38, 1-based): chr15:45,376,682, G>T on the plus strand (C>A on the coding strand, the complement: GATM is on the minus strand). VCF-style: chr15-45376682-G-T. GRCh37 (hg19) VCF-style: chr15-45668880-G-T.
Other names: c.-181C>A (NM_001321015.2); short protein forms Y69*.
Identifiers: ClinVar variation 2850245 (VCV002850245.3), dbSNP rs1159856922, ClinGen allele CA392265265.